The following is an entry in ClinVar:

NM_000075.4(CDK4):c.861T>G (p.Phe287Leu)

Genes: CDK4 (cyclin dependent kinase 4; minus strand), TSPAN31 (tetraspanin 31; plus strand). Cytogenetic location: 12q14.1.
Variant type: single nucleotide variant.
Coding change: c.861T>G on transcript NM_000075.4 (MANE Select); coding-DNA position 861, T replaced by G.
Protein change: p.Phe287Leu; replaces phenylalanine 287 with leucine.
Molecular consequence: missense variant. On other transcripts: 3 prime UTR variant (3).
Genome position (GRCh38, 1-based): chr12:57,748,576, A>C on the plus strand (T>G on the coding strand, the complement: CDK4 is on the minus strand). VCF-style: chr12-57748576-A-C. GRCh37 (hg19) VCF-style: chr12-58142359-A-C.
Other names: c.*1286A>C (NM_001330168.2, NM_001330169.2, NM_005981.5); short protein forms F287L.
Identifiers: ClinVar variation 4803053 (VCV004803053.1).

ClinVar aggregate classification (germline): Uncertain significance (1 of 4 stars; one submission).

Conditions:
Familial melanoma. Also called: Hereditary melanoma; Hereditary cutaneous melanoma. Identifiers: Orphanet 618, MedGen C1512419, MONDO:0018961.

Submission:

Labcorp Genetics (formerly Invitae), Labcorp
Classification: Uncertain significance for Familial melanoma. Last evaluated: 2025-11-18. Review status: criteria provided, single submitter. Criteria: Invitae Variant Classification Sherloc (09022015). Collection method: clinical testing. Allele origin: germline.
Comment: This sequence change replaces phenylalanine, which is neutral and non-polar, with leucine, which is neutral and non-polar, at codon 287 of the CDK4 protein (p.Phe287Leu). This variant is not present in population databases (gnomAD no frequency). This variant has not been reported in the literature in individuals affected with CDK4-related conditions. Invitae Evidence Modeling of protein sequence and biophysical properties (such as structural, functional, and spatial information, amino acid conservation, physicochemical variation, residue mobility, and thermodynamic stability) indicates that this missense variant is not expected to disrupt CDK4 protein function with a negative predictive value of 95%. In summary, the available evidence is currently insufficient to determine the role of this variant in disease. Therefore, it has been classified as a Variant of Uncertain Significance.